The following is an entry in ClinVar:

NM_175614.4(NDUFA11):c.-88C>A

Genes: NDUFA11 (NADH:ubiquinone oxidoreductase subunit A11; minus strand), LOC112552175 (Sharpr-MPRA regulatory region 9916; plus strand). Cytogenetic location: 19p13.3.
Variant type: single nucleotide variant.
Coding change: c.-88C>A on transcript NM_175614.4; 88 bases upstream of the start codon, C replaced by A.
Genome position (GRCh38, 1-based): chr19:5,903,796, G>T on the plus strand (C>A on the coding strand, the complement: NDUFA11 is on the minus strand). VCF-style: chr19-5903796-G-T. GRCh37 (hg19) VCF-style: chr19-5903807-G-T.
Identifiers: ClinVar variation 330240 (VCV000330240.11), dbSNP rs8108064, ClinGen allele CA9119073.

ClinVar aggregate classification (germline): Benign. Review status: criteria provided, multiple submitters, no conflicts (2 of 4 stars). 3 submissions from 3 submitters: Benign (3). Last evaluated 2018-06-23.

Conditions:
Mitochondrial complex I deficiency, nuclear type 1. Also called: NADH-COENZYME Q REDUCTASE DEFICIENCY; MITOCHONDRIAL NADH DEHYDROGENASE COMPONENT OF COMPLEX I, DEFICIENCY OF. Identifiers: MedGen C6022305, MONDO:0100224, OMIM 252010.

Allele frequency attached by ClinVar (database versions not stated): gnomAD 0.64945 and 0.65329; TOPMed 0.66781; ExAC 0.67498; 1000 Genomes Project 0.68151; 1000 Genomes Project 30x 0.68645.

Submissions (3):

GeneDx
Classification: Benign. Last evaluated: 2018-06-23. Review status: criteria provided, single submitter. Criteria: GeneDx Variant Classification Process June 2021. Collection method: clinical testing. Allele origin: germline. Affected: yes.

Illumina Laboratory Services, Illumina
Classification: Benign for Mitochondrial complex I deficiency, nuclear type 1. Last evaluated: 2018-01-13. Review status: criteria provided, single submitter. Criteria: ICSL Variant Classification Criteria 13 December 2019. Collection method: clinical testing. Allele origin: germline.
Comment: This variant was observed in the ICSL laboratory as part of a predisposition screen in an ostensibly healthy population. It had not been previously curated by ICSL or reported in the Human Gene Mutation Database (HGMD: prior to June 1st, 2018), and was therefore a candidate for classification through an automated scoring system. Utilizing variant allele frequency, disease prevalence and penetrance estimates, and inheritance mode, an automated score was calculated to assess if this variant is too frequent to cause the disease. Based on the score and internal cut-off values, a variant classified as benign is not then subjected to further curation. The score for this variant resulted in a classification of benign for this disease.

Breakthrough Genomics
Classification: Benign. Review status: criteria provided, single submitter. Criteria: ACMG Guidelines, 2015. Collection method: not provided. Allele origin: germline. Inheritance: Autosomal recessive inheritance. Affected: yes.